The following is an entry in ClinVar:

NM_006767.4(LZTR1):c.1876G>A (p.Val626Met)

Gene: LZTR1 (leucine zipper like post translational regulator 1; plus strand). Cytogenetic location: 22q11.21.
Variant type: single nucleotide variant.
Coding change: c.1876G>A on transcript NM_006767.4 (MANE Select); coding-DNA position 1876, G replaced by A.
Protein change: p.Val626Met; replaces valine 626 with methionine.
Molecular consequence: missense variant.
Genome position (GRCh38, 1-based): chr22:20,994,960, G>A. VCF-style: chr22-20994960-G-A. GRCh37 (hg19) VCF-style: chr22-21349249-G-A.
Other names: short protein forms V626M.
Identifiers: ClinVar variation 1781787 (VCV001781787.5), dbSNP rs777465157, ClinGen allele CA410778645.

ClinVar aggregate classification (germline): Uncertain significance. Review status: criteria provided, multiple submitters, no conflicts (2 of 4 stars). 3 submissions from 3 submitters: Uncertain significance (3). Last evaluated 2025-11-18.

Conditions:
Hereditary cancer-predisposing syndrome. Also called: Neoplastic Syndromes, Hereditary; Tumor predisposition; Hereditary Cancer Syndrome; Hereditary neoplastic syndrome. Identifiers: Orphanet 140162, MedGen C0027672, MeSH D009386, MONDO:0015356.
Cardiovascular phenotype. Identifiers: MedGen CN230736.

gnomAD v4.1: 1 of 1,613,300 alleles (0.000062%); highest among the groups gnomAD compares: Non-Finnish European, 0.000085%; no homozygotes.

Submissions (3):

Labcorp Genetics (formerly Invitae), Labcorp
Classification: Uncertain significance. Last evaluated: 2025-11-18. Review status: criteria provided, single submitter. Criteria: Invitae Variant Classification Sherloc (09022015). Collection method: clinical testing. Allele origin: germline.
Comment: This sequence change replaces valine, which is neutral and non-polar, with methionine, which is neutral and non-polar, at codon 626 of the LZTR1 protein (p.Val626Met). This variant is not present in population databases (gnomAD no frequency). This variant has not been reported in the literature in individuals affected with LZTR1-related conditions. ClinVar contains an entry for this variant (Variation ID: 1781787). Invitae Evidence Modeling of protein sequence and biophysical properties (such as structural, functional, and spatial information, amino acid conservation, physicochemical variation, residue mobility, and thermodynamic stability) indicates that this missense variant is not expected to disrupt LZTR1 protein function with a negative predictive value of 80%. In summary, the available evidence is currently insufficient to determine the role of this variant in disease. Therefore, it has been classified as a Variant of Uncertain Significance.

Ambry Genetics
Classification: Uncertain significance for Cardiovascular phenotype; Hereditary cancer-predisposing syndrome. Last evaluated: 2025-06-05. Review status: criteria provided, single submitter. Criteria: Ambry Variant Classification Scheme 2023. Collection method: clinical testing. Allele origin: germline.
Comment: The p.V626M variant (also known as c.1876G>A), located in coding exon 16 of the LZTR1 gene, results from a G to A substitution at nucleotide position 1876. The valine at codon 626 is replaced by methionine, an amino acid with highly similar properties. This amino acid position is highly conserved in available vertebrate species. In addition, the in silico prediction for this alteration is inconclusive. Since supporting evidence is limited at this time, the clinical significance of this alteration remains unclear.

GeneDx
Classification: Uncertain significance. Last evaluated: 2024-04-16. Review status: criteria provided, single submitter. Criteria: GeneDx Variant Classification Process June 2021. Collection method: clinical testing. Allele origin: germline. Affected: yes.
Comment: Not observed at significant frequency in large population cohorts (gnomAD); In silico analysis indicates that this missense variant does not alter protein structure/function; Has not been previously published as pathogenic or benign to our knowledge